The following is an entry in ClinVar:

NM_013382.7(POMT2):c.586G>A (p.Asp196Asn)

Gene: POMT2 (protein O-mannosyltransferase 2; minus strand). Cytogenetic location: 14q24.3.
Variant type: single nucleotide variant.
Coding change: c.586G>A on transcript NM_013382.7 (MANE Select); coding-DNA position 586, G replaced by A.
Protein change: p.Asp196Asn; replaces aspartic acid 196 with asparagine.
Molecular consequence: missense variant.
Genome position (GRCh38, 1-based): chr14:77,302,905, C>T on the plus strand (G>A on the coding strand, the complement: POMT2 is on the minus strand). VCF-style: chr14-77302905-C-T. GRCh37 (hg19) VCF-style: chr14-77769248-C-T.
Other names: short protein forms D196N.
Identifiers: ClinVar variation 581205 (VCV000581205.13), dbSNP rs1200584567, ClinGen allele CA390520572.

ClinVar aggregate classification (germline): Uncertain significance. Review status: criteria provided, multiple submitters, no conflicts (2 of 4 stars). 2 submissions from 2 submitters: Uncertain significance (2). Last evaluated 2024-02-23.

Conditions:
Muscular dystrophy-dystroglycanopathy (congenital with impaired intellectual development), type B, 2. Also called: Muscular dystrophy-dystroglycanopathy (congenital with intellectual disability), type B2; MUSCULAR DYSTROPHY, CONGENITAL, POMT2-RELATED. Identifiers: MedGen C3150416, MONDO:0013160, OMIM 613156.
Autosomal recessive limb-girdle muscular dystrophy type 2N. Also called: Muscular dystrophy-dystroglycanopathy (limb-girdle), type C, 2; MUSCULAR DYSTROPHY-DYSTROGLYCANOPATHY, LIMB-GIRDLE, POMT2-RELATED. Identifiers: Orphanet 206559, MedGen C3150418, MONDO:0013162, OMIM 613158.
Muscular dystrophy-dystroglycanopathy (congenital with brain and eye anomalies), type A2. Also called: MUSCULAR DYSTROPHY-DYSTROGLYCANOPATHY (CONGENITAL WITH BRAIN AND EYE ANOMALIES), TYPE A, 2; WALKER-WARBURG SYNDROME OR MUSCLE-EYE-BRAIN DISEASE, POMT2-RELATED. Identifiers: Orphanet 588, Orphanet 899, MedGen C3150411, MONDO:0013154, OMIM 613150.

Submissions (2):

Labcorp Genetics (formerly Invitae), Labcorp
Classification: Uncertain significance for Muscular dystrophy-dystroglycanopathy (congenital with impaired intellectual development), type B, 2; Muscular dystrophy-dystroglycanopathy (congenital with brain and eye anomalies), type A2; Autosomal recessive limb-girdle muscular dystrophy type 2N. Last evaluated: 2024-02-23. Review status: criteria provided, single submitter. Criteria: Invitae Variant Classification Sherloc (09022015). Collection method: clinical testing. Allele origin: germline.
Comment: This sequence change replaces aspartic acid, which is acidic and polar, with asparagine, which is neutral and polar, at codon 196 of the POMT2 protein (p.Asp196Asn). This variant is not present in population databases (gnomAD no frequency). This missense change has been observed in individual(s) with clinical features of POMT2-related conditions (Invitae). ClinVar contains an entry for this variant (Variation ID: 581205). Advanced modeling of protein sequence and biophysical properties (such as structural, functional, and spatial information, amino acid conservation, physicochemical variation, residue mobility, and thermodynamic stability) has been performed at Invitae for this missense variant, however the output from this modeling did not meet the statistical confidence thresholds required to predict the impact of this variant on POMT2 protein function. In summary, the available evidence is currently insufficient to determine the role of this variant in disease. Therefore, it has been classified as a Variant of Uncertain Significance.

Revvity Omics, Revvity
Classification: Uncertain significance. Last evaluated: 2020-03-16. Review status: criteria provided, single submitter. Criteria: ACMG Guidelines, 2015. Collection method: clinical testing. Allele origin: germline.